The following is an entry in ClinVar:

ClinVar aggregate classification (germline): Uncertain significance (1 of 4 stars; one submission).

Conditions:
Hypomyelination and Congenital Cataract (HLD5). Also called: hypomyelinating leukodystrophy 5. Identifiers: Orphanet 85163, MedGen C1864663, MONDO:0012514, OMIM 610532.

Submission:

Labcorp Genetics (formerly Invitae), Labcorp
Classification: Uncertain significance for Hypomyelination and Congenital Cataract. Last evaluated: 2022-08-08. Review status: criteria provided, single submitter. Criteria: Invitae Variant Classification Sherloc (09022015). Collection method: clinical testing. Allele origin: germline.
Comment: This variant has not been reported in the literature in individuals affected with FAM126A-related conditions. This variant is not present in population databases (gnomAD no frequency). This sequence change replaces glycine, which is neutral and non-polar, with glutamic acid, which is acidic and polar, at codon 214 of the FAM126A protein (p.Gly214Glu). In summary, the available evidence is currently insufficient to determine the role of this variant in disease. Therefore, it has been classified as a Variant of Uncertain Significance. Algorithms developed to predict the effect of missense changes on protein structure and function (SIFT, PolyPhen-2, Align-GVGD) all suggest that this variant is likely to be disruptive.

NM_032581.4(HYCC1):c.641G>A (p.Gly214Glu)

Gene: HYCC1 (hyccin PI4KA lipid kinase complex subunit 1; minus strand). Cytogenetic location: 7p15.3.
Variant type: single nucleotide variant.
Coding change: c.641G>A on transcript NM_032581.4 (MANE Select); coding-DNA position 641, G replaced by A.
Protein change: p.Gly214Glu; replaces glycine 214 with glutamic acid.
Molecular consequence: missense variant.
Genome position (GRCh38, 1-based): chr7:22,964,517, C>T on the plus strand (G>A on the coding strand, the complement: HYCC1 is on the minus strand). VCF-style: chr7-22964517-C-T. GRCh37 (hg19) VCF-style: chr7-23004136-C-T.
Other names: c.641G>A, p.Gly214Glu (NM_001363466.2, NM_001363467.2); short protein forms G214E.
Identifiers: ClinVar variation 1901890 (VCV001901890.5), dbSNP rs2534391455, ClinGen allele CA366974367.
Genomic context (GRCh38, chr7:22,964,517, plus strand): 5'-GAAGAAACTGGTATCCTGCTACTTATACCTTTATATTTTCTTACATGTTGTCGAGGATAT[C>T]CACAAACACAGATTCTAGAAAAACCAAAATAAATGTATTTCTAAAATTGGTAAAATTTTA-3'
Protein context (NP_115970.2, residues 204-224): CQICSRICVC[Gly214Glu]YPRQHVRKYK